The following is an entry in ClinVar:

NM_012233.3(RAB3GAP1):c.*170C>T

Gene: RAB3GAP1 (RAB3 GTPase activating protein catalytic subunit 1; plus strand). Cytogenetic location: 2q21.3.
Variant type: single nucleotide variant.
Coding change: c.*170C>T on transcript NM_012233.3 (MANE Select); 170 bases downstream of the stop codon, C replaced by T.
Molecular consequence: 3 prime UTR variant.
Genome position (GRCh38, 1-based): chr2:135,168,951, C>T. VCF-style: chr2-135168951-C-T. GRCh37 (hg19) VCF-style: chr2-135926521-C-T.
Other names: c.*170C>T (NM_001172435.2).
Identifiers: ClinVar variation 331132 (VCV000331132.5), dbSNP rs180839370, ClinGen allele CA10612107.

ClinVar aggregate classification (germline): Likely benign (1 of 4 stars; one submission).

Conditions:
Warburg micro syndrome 1 (WARBM1). Identifiers: Orphanet 2510, MedGen C1838625, MONDO:0010822, OMIM 600118.

Allele frequency attached by ClinVar (database versions not stated): 1000 Genomes Project 0.00060; gnomAD 0.00010 and 0.00019; 1000 Genomes Project 30x 0.00062; gnomAD exomes 0.00074; TOPMed 0.00009.
gnomAD v4.1: 295 of 522,808 alleles (0.056%); highest among the groups gnomAD compares: East Asian, 1.3%; 2 homozygotes.

Submission:

Illumina Laboratory Services, Illumina
Classification: Likely benign for Warburg micro syndrome 1. Last evaluated: 2018-01-13. Review status: criteria provided, single submitter. Criteria: ICSL Variant Classification Criteria 13 December 2019. Collection method: clinical testing. Allele origin: germline.
Comment: This variant was observed in the ICSL laboratory as part of a predisposition screen in an ostensibly healthy population. It had not been previously curated by ICSL or reported in the Human Gene Mutation Database (HGMD: prior to June 1st, 2018), and was therefore a candidate for classification through an automated scoring system. Utilizing variant allele frequency, disease prevalence and penetrance estimates, and inheritance mode, an automated score was calculated to assess if this variant is too frequent to cause the disease. Based on the score and internal cut-off values, a variant classified as likely benign is not then subjected to further curation. The score for this variant resulted in a classification of likely benign for this disease.